The following is an entry in ClinVar:

ClinVar aggregate classification (germline): Uncertain significance (1 of 4 stars; one submission).

gnomAD v4.1: 22 of 1,602,938 alleles (0.0014%); highest among the groups gnomAD compares: Non-Finnish European, 0.0019%; no homozygotes.

Submission:

Labcorp Genetics (formerly Invitae), Labcorp
Classification: Uncertain significance. Last evaluated: 2023-03-02. Review status: criteria provided, single submitter. Criteria: Invitae Variant Classification Sherloc (09022015). Collection method: clinical testing. Allele origin: germline.
Comment: In summary, the available evidence is currently insufficient to determine the role of this variant in disease. Therefore, it has been classified as a Variant of Uncertain Significance. An algorithm developed to predict the effect of missense changes on protein structure and function (PolyPhen-2) suggests that this variant is likely to be tolerated. ClinVar contains an entry for this variant (Variation ID: 1432579). This variant has not been reported in the literature in individuals affected with PLEKHM2-related conditions. This variant is present in population databases (rs376491799, gnomAD 0.002%). This sequence change replaces glutamic acid, which is acidic and polar, with glutamine, which is neutral and polar, at codon 387 of the PLEKHM2 protein (p.Glu387Gln).

NM_015164.4(PLEKHM2):c.1159G>C (p.Glu387Gln)

Gene: PLEKHM2 (pleckstrin homology and RUN domain containing M2; plus strand). Cytogenetic location: 1p36.21.
Variant type: single nucleotide variant.
Coding change: c.1159G>C on transcript NM_015164.4 (MANE Select); coding-DNA position 1159, G replaced by C.
Protein change: p.Glu387Gln; replaces glutamic acid 387 with glutamine.
Molecular consequence: missense variant.
Genome position (GRCh38, 1-based): chr1:15,727,231, G>C. VCF-style: chr1-15727231-G-C. GRCh37 (hg19) VCF-style: chr1-16053726-G-C.
Other names: short protein forms E387Q.
Identifiers: ClinVar variation 1432579 (VCV001432579.8), dbSNP rs376491799, ClinGen allele CA616875.